The following is an entry in ClinVar:

ClinVar aggregate classification (germline): Uncertain significance (1 of 4 stars; one submission).

Conditions:
Inborn genetic diseases. Identifiers: MedGen C0950123, MeSH D030342.

gnomAD v4.1: 1 of 1,614,186 alleles (0.000062%); no homozygotes.

Submission:

Ambry Genetics
Classification: Uncertain significance for Inborn genetic diseases. Last evaluated: 2025-12-06. Review status: criteria provided, single submitter. Criteria: Ambry Variant Classification Scheme 2023. Collection method: clinical testing. Allele origin: germline.
Comment: The p.P1124S variant (also known as c.3370C>T), located in coding exon 13 of the ASXL1 gene, results from a C to T substitution at nucleotide position 3370. The proline at codon 1124 is replaced by serine, an amino acid with similar properties. This amino acid position is conserved. In addition, this alteration is predicted to be tolerated by in silico analysis. Based on the available evidence, the clinical significance of this variant remains unclear.

NM_015338.6(ASXL1):c.3370C>T (p.Pro1124Ser)

Gene: ASXL1 (ASXL transcriptional regulator 1; plus strand). Cytogenetic location: 20q11.21.
Variant type: single nucleotide variant.
Coding change: c.3370C>T on transcript NM_015338.6 (MANE Select); coding-DNA position 3370, C replaced by T.
Protein change: p.Pro1124Ser; replaces proline 1124 with serine.
Molecular consequence: missense variant.
Genome position (GRCh38, 1-based): chr20:32,436,082, C>T. VCF-style: chr20-32436082-C-T. GRCh37 (hg19) VCF-style: chr20-31023885-C-T.
Other names: c.3187C>T, p.Pro1063Ser (NM_001363734.1); short protein forms P1063S, P1124S.
Identifiers: ClinVar variation 4588908 (VCV004588908.1).